The following is an entry in ClinVar:

NM_000090.4(COL3A1):c.636+5G>A

Gene: COL3A1 (collagen type III alpha 1 chain; plus strand). Cytogenetic location: 2q32.2.
Variant type: single nucleotide variant.
Coding change: c.636+5G>A on transcript NM_000090.4 (MANE Select); 5 bases into the intron after coding-DNA position 636, G replaced by A.
Molecular consequence: intron variant.
Genome position (GRCh38, 1-based): chr2:188,988,648, G>A. VCF-style: chr2-188988648-G-A. GRCh37 (hg19) VCF-style: chr2-189853374-G-A.
Identifiers: ClinVar variation 101448 (VCV000101448.2), dbSNP rs587779688, ClinGen allele CA007173.

ClinVar aggregate classification (germline): Pathogenic. Review status: criteria provided, multiple submitters, no conflicts (2 of 4 stars). 3 submissions from 3 submitters: Pathogenic (2). 1 of the submissions does not count toward it. Last evaluated 2018-05-03.

Conditions:
Ehlers-Danlos syndrome, type 4 (EDSVASC). Also called: Ehlers-Danlos syndrome vascular type; Ehlers Danlos syndrome, ecchymotic type; Ehlers Danlos syndrome, arterial type; Ehlers Danlos syndrome, Sack-Barabas type; Ehlers-Danlos Syndrome Type IV. Identifiers: Orphanet 286, MedGen C0268338, MONDO:0017314, OMIM 130050.

Submissions (3):

Labcorp Genetics (formerly Invitae), Labcorp
Classification: Pathogenic for Ehlers-Danlos syndrome, type 4. Last evaluated: 2018-05-03. Review status: criteria provided, single submitter. Criteria: Invitae Variant Classification Sherloc (09022015). Collection method: clinical testing. Allele origin: germline.
Comment: This sequence change falls in intron 7 of the COL3A1 gene. It does not directly change the encoded amino acid sequence of the COL3A1 protein, but it affects a nucleotide within the consensus splice site of the intron. This variant is not present in population databases (ExAC no frequency). This variant has been reported in several individuals affected with Ehlers-Danlos syndrome, vascular type (PMID:Â¬â€ 9399899,Â¬â€ 12131463,Â¬â€ 24399159). This variant is also described as IVS8+5G>A in the literature.Â¬â€  ClinVar contains an entry for this variant (Variation ID: 101448). Nucleotide substitutions within the consensus splice site are a relatively common cause of aberrant splicing (PMID: 17576681, 9536098). Experimental studies have shown that this variant results in exon skipping, leading to an in-frame deletion of exon 7, also reported as exon 8 in the literature (PMID:Â¬â€ 9399899,Â¬â€ 12131463). This splicing variant leads to a deletion of exon 7, which is expected to disrupt glycine residues within the Gly-Xaa-Yaa repeats of the triple helix domain that are required for the structure and stability of fibrillar collagens (PMID: 7695699, 8218237, 19344236). In COL3A1, missense variants at these glycine residues are significantly enriched in individuals with disease (PMID: 24922459, 25758994) compared to the general population (ExAC).Â¬â€  This suggests loss of these residues may also be pathogenic. For these reasons, this variant has been classified as Pathogenic.

Center for Human Genetics, Inc
Classification: Pathogenic for Ehlers-Danlos syndrome, type 4. Last evaluated: 2016-11-01. Review status: criteria provided, single submitter. Criteria: ACMG Guidelines, 2015. Collection method: clinical testing. Allele origin: germline. Affected: yes.

Collagen Diagnostic Laboratory, University of Washington
Classification: Pathogenic for Ehlers-Danlos syndrome, type 4. Review status: no assertion criteria provided. Collection method: clinical testing. Allele origin: germline. Affected: yes. Not counted in ClinVar's aggregate classification.

Literature cited by the submitters: PubMed 7695699 (cited by Labcorp Genetics (formerly Invitae), Labcorp); PubMed 19344236 (cited by Labcorp Genetics (formerly Invitae), Labcorp); PubMed 24922459 (cited by Labcorp Genetics (formerly Invitae), Labcorp); PubMed 8218237 (cited by Labcorp Genetics (formerly Invitae), Labcorp); PubMed 25758994 (cited by Labcorp Genetics (formerly Invitae), Labcorp); PubMed 10706896 (cited by Collagen Diagnostic Laboratory, University of Washington); PubMed 12131463 (cited by Collagen Diagnostic Laboratory, University of Washington); PubMed 9036918 (cited by Collagen Diagnostic Laboratory, University of Washington); PubMed 9399899 (cited by Collagen Diagnostic Laboratory, University of Washington).